The following is an entry in ClinVar:

NM_000095.3(COMP):c.1249G>T (p.Asp417Tyr)

Gene: COMP (cartilage oligomeric matrix protein; minus strand). Cytogenetic location: 19p13.11.
Variant type: single nucleotide variant.
Coding change: c.1249G>T on transcript NM_000095.3 (MANE Select); coding-DNA position 1249, G replaced by T.
Protein change: p.Asp417Tyr; replaces aspartic acid 417 with tyrosine.
Molecular consequence: missense variant.
Genome position (GRCh38, 1-based): chr19:18,786,537, C>A on the plus strand (G>T on the coding strand, the complement: COMP is on the minus strand). VCF-style: chr19-18786537-C-A. GRCh37 (hg19) VCF-style: chr19-18897347-C-A.
Other names: short protein forms D417Y.
Identifiers: ClinVar variation 1376325 (VCV001376325.8), dbSNP rs764590130, ClinGen allele CA404886233.

ClinVar aggregate classification (germline): Uncertain significance (1 of 4 stars; one submission).

Submission:

Labcorp Genetics (formerly Invitae), Labcorp
Classification: Uncertain significance. Last evaluated: 2023-04-11. Review status: criteria provided, single submitter. Criteria: Invitae Variant Classification Sherloc (09022015). Collection method: clinical testing. Allele origin: germline.
Comment: This sequence change replaces aspartic acid, which is acidic and polar, with tyrosine, which is neutral and polar, at codon 417 of the COMP protein (p.Asp417Tyr). This variant is present in population databases (no rsID available, gnomAD 0.0009%). This variant has not been reported in the literature in individuals affected with COMP-related conditions. ClinVar contains an entry for this variant (Variation ID: 1376325). Advanced modeling of protein sequence and biophysical properties (such as structural, functional, and spatial information, amino acid conservation, physicochemical variation, residue mobility, and thermodynamic stability) performed at Invitae indicates that this missense variant is not expected to disrupt COMP protein function. In summary, the available evidence is currently insufficient to determine the role of this variant in disease. Therefore, it has been classified as a Variant of Uncertain Significance.